The following is an entry in ClinVar:

NM_000443.4(ABCB4):c.646C>T (p.Leu216Phe)

Gene: ABCB4 (ATP binding cassette subfamily B member 4; minus strand). Cytogenetic location: 7q21.12.
Variant type: single nucleotide variant.
Coding change: c.646C>T on transcript NM_000443.4 (MANE Select); coding-DNA position 646, C replaced by T.
Protein change: p.Leu216Phe; replaces leucine 216 with phenylalanine.
Molecular consequence: missense variant.
Genome position (GRCh38, 1-based): chr7:87,451,685, G>A on the plus strand (C>T on the coding strand, the complement: ABCB4 is on the minus strand). VCF-style: chr7-87451685-G-A. GRCh37 (hg19) VCF-style: chr7-87081001-G-A.
Other names: c.646C>T, p.Leu216Phe (NM_018849.3, NM_018850.3); short protein forms L216F.
Identifiers: ClinVar variation 4846530 (VCV004846530.2).

ClinVar aggregate classification (germline): Uncertain significance. Review status: criteria provided, multiple submitters, no conflicts (2 of 4 stars). 2 submissions from 2 submitters: Uncertain significance (2). Last evaluated 2026-06-16.

Conditions:
Familial intrahepatic cholestasis. Identifiers: Orphanet 284385, MedGen CN296401, MONDO:0017290.

Submissions (2):

Women's Health and Genetics/Laboratory Corporation of America, LabCorp
Classification: Uncertain significance. Last evaluated: 2026-06-16. Review status: criteria provided, single submitter. Criteria: LabCorp Variant Classification Summary - May 2015. Collection method: clinical testing. Allele origin: germline.
Comment: Variant summary: ABCB4 c.646C>T (p.Leu216Phe) results in a non-conservative amino acid change in the encoded protein sequence. Algorithms developed to predict the effect of missense changes on protein structure and function all suggest that this variant is likely to be disruptive. The variant allele was found at a frequency of 4e-06 in 251328 control chromosomes. c.646C>T has been observed in the compound heterozygous state in two individuals affected with progressive familial intrahepatic cholestasis (Shen_2023) and in the heterozygous state in an individual with intrahepatic cholestasis of pregnancy (Liu_2020). These data indicate that the variant may be associated with disease. To our knowledge, no experimental evidence demonstrating an impact on protein function has been reported. The following publications have been ascertained in the context of this evaluation (PMID: 32942997, 36046230, 37137858). ClinVar contains an entry for this variant (Variation ID: 4846530). Based on the evidence outlined above, the variant was classified as VUS-possibly pathogenic.

Genomenon, Inc
Classification: Uncertain significance for Familial intrahepatic cholestasis. Last evaluated: 2026-04-14. Review status: criteria provided, single submitter. Criteria: Genomenon Sequence Variant Interpretation Standards - Updated. Collection method: curation. Allele origin: germline. Affected: yes.
Comment: ABCB4 p.Leu216Phe (c.646C>T) is a missense variant that changes the amino acid at residue 216 from Leucine to Phenylalanine. This variant has been observed in at least one proband with an ABCB4-related disorder (PMID:32942997). It is absent or not present at a significant frequency in gnomAD. In silico models predict that this variant is possibly or probably damaging. In conclusion, we classify ABCB4 p.Leu216Phe (c.646C>T) as a variant of uncertain significance.

Literature cited by the submitters: PubMed 32942997 (cited by Women's Health and Genetics/Laboratory Corporation of America, LabCorp and Genomenon, Inc); PubMed 36046230 (cited by Women's Health and Genetics/Laboratory Corporation of America, LabCorp); PubMed 37137858 (cited by Women's Health and Genetics/Laboratory Corporation of America, LabCorp).